The following is an entry in ClinVar:

NC_000012.12:g.121641241G>A

Gene: ORAI1 (ORAI calcium release-activated calcium modulator 1; plus strand). Cytogenetic location: 12q24.31.
Variant type: single nucleotide variant.
Genome position: GRCh38 VCF-style: chr12-121641241-G-A. GRCh37 (hg19) VCF-style: chr12-122079147-G-A.
Other names: c.504G>A, p.Met168Ile (NM_032790.4); short protein forms M168I.
Identifiers: ClinVar variation 958753 (VCV000958753.8), dbSNP rs1416832738, ClinGen allele CA386983362.

ClinVar aggregate classification (germline): Uncertain significance (1 of 4 stars; one submission).

Conditions:
Myopathy, tubular aggregate, 2 (TAM2). Identifiers: MedGen C4014557, MONDO:0014383, OMIM 615883.
Combined immunodeficiency due to ORAI1 deficiency. Also called: IMMUNODEFICIENCY 9. Identifiers: Orphanet 169090, Orphanet 317428, MedGen C2748568, MONDO:0013007, OMIM 612782.

Allele frequency attached by ClinVar (database versions not stated): TOPMed below 0.00001.

Submission:

Labcorp Genetics (formerly Invitae), Labcorp
Classification: Uncertain significance for Myopathy, tubular aggregate, 2; Combined immunodeficiency due to ORAI1 deficiency. Last evaluated: 2019-11-12. Review status: criteria provided, single submitter. Criteria: Invitae Variant Classification Sherloc (09022015). Collection method: clinical testing. Allele origin: germline.
Comment: In summary, the available evidence is currently insufficient to determine the role of this variant in disease. Therefore, it has been classified as a Variant of Uncertain Significance. Algorithms developed to predict the effect of missense changes on protein structure and function are either unavailable or do not agree on the potential impact of this missense change (SIFT: "Tolerated"; PolyPhen-2: "Possibly Damaging"; Align-GVGD: "Class C0"). This variant has not been reported in the literature in individuals with ORAI1-related conditions. This variant is not present in population databases (ExAC no frequency). This sequence change replaces methionine with isoleucine at codon 168 of the ORAI1 protein (p.Met168Ile). The methionine residue is highly conserved and there is a small physicochemical difference between methionine and isoleucine.